The following is an entry in ClinVar:

ClinVar aggregate classification (germline): Pathogenic/Likely pathogenic. Review status: criteria provided, multiple submitters, no conflicts (2 of 4 stars). 2 submissions from 2 submitters: Pathogenic (1); Likely pathogenic (1). Last evaluated 2025-08-29.

Conditions:
Hypophosphatasia. Also called: Phosphoethanol-aminuria. Identifiers: Orphanet 436, MedGen C0020630, MeSH D007014, MONDO:0018570.
ALPL-related disorder. Also called: ALPL-related disorders; ALPL-related condition.

gnomAD v4.1: 350 of 1,613,840 alleles (0.022%); highest among the groups gnomAD compares: Non-Finnish European, 0.029%; no homozygotes.

Submissions (2):

Genomenon, Inc
Classification: Likely pathogenic for Hypophosphatasia. Last evaluated: 2025-08-29. Review status: criteria provided, single submitter. Criteria: Genomenon Sequence Variant Interpretation Standards. Collection method: curation. Allele origin: germline. Affected: yes.
Comment: ALPL c.401C>A is a missense variant that changes the amino acid at residue 134 from Threonine to Asparagine. This variant has been observed in at least one proband affected with hypophosphatasia (PMID:32973344;32160374). At least one functional study has demonstrated a substantial alteration in protein function relative to the wild-type (PMID:10679946). It is absent or not present at a significant frequency in gnomAD. In conclusion, we classify ALPL p.Thr134Asn (c.401C>A) as a likely pathogenic variant.

Blueprint Genetics
Classification: Pathogenic for ALPL-related disorders. Last evaluated: 2021-12-31. Review status: criteria provided, single submitter. Criteria: ACMG Guidelines, 2015. Collection method: clinical testing. Allele origin: germline. Affected: yes. Observed: 5 variant alleles.

Literature cited by the submitters: PubMed 32973344 (cited by Genomenon, Inc); PubMed 32160374 (cited by Genomenon, Inc); PubMed 10679946 (cited by Genomenon, Inc).

NM_000478.6(ALPL):c.401C>A (p.Thr134Asn)

Gene: ALPL (alkaline phosphatase, biomineralization associated; plus strand). Cytogenetic location: 1p36.12.
Variant type: single nucleotide variant.
Coding change: c.401C>A on transcript NM_000478.6 (MANE Select); coding-DNA position 401, C replaced by A.
Protein change: p.Thr134Asn; replaces threonine 134 with asparagine.
Molecular consequence: missense variant.
Genome position (GRCh38, 1-based): chr1:21,563,213, C>A. VCF-style: chr1-21563213-C-A. GRCh37 (hg19) VCF-style: chr1-21889706-C-A.
Other names: c.236C>A, p.Thr79Asn (NM_001127501.4); c.170C>A, p.Thr57Asn (NM_001177520.3); c.401C>A, p.Thr134Asn (NM_001369803.2, NM_001369804.2, NM_001369805.2); short protein forms T134N, T57N, T79N.
Identifiers: ClinVar variation 4086804 (VCV004086804.2).